The following is an entry in ClinVar:

ClinVar aggregate classification (germline): Likely benign (0 of 4 stars; one submission).

Conditions:
TTC28-related disorder. Also called: TTC28-related condition.

Allele frequency attached by ClinVar (database versions not stated): gnomAD exomes 0.00015; gnomAD 0.00028; ExAC 0.00040; TOPMed 0.00053; 1000 Genomes Project 30x 0.00094; 1000 Genomes Project 0.00120.
gnomAD v4.1: 252 of 1,546,354 alleles (0.016%); highest among the groups gnomAD compares: East Asian, 0.49%; no homozygotes.

Submission:

PreventionGenetics, part of Exact Sciences
Classification: Likely benign for TTC28-related condition. Last evaluated: 2020-03-30. Review status: no assertion criteria provided. Collection method: clinical testing. Allele origin: germline.
Comment: This variant is classified as likely benign based on ACMG/AMP sequence variant interpretation guidelines (Richards et al. 2015 PMID: 25741868, with internal and published modifications).

NM_001145418.2(TTC28):c.2779C>T (p.His927Tyr)

Gene: TTC28 (tetratricopeptide repeat domain 28; minus strand). Cytogenetic location: 22q12.1.
Variant type: single nucleotide variant.
Coding change: c.2779C>T on transcript NM_001145418.2 (MANE Select); coding-DNA position 2779, C replaced by T.
Protein change: p.His927Tyr; replaces histidine 927 with tyrosine.
Molecular consequence: missense variant.
Genome position (GRCh38, 1-based): chr22:28,107,066, G>A on the plus strand (C>T on the coding strand, the complement: TTC28 is on the minus strand). VCF-style: chr22-28107066-G-A. GRCh37 (hg19) VCF-style: chr22-28503054-G-A.
Other names: c.2779C>T, p.His927Tyr (NM_001393403.1); c.2425C>T, p.His809Tyr (NM_001393404.1, NM_001393405.1); short protein forms H809Y, H927Y.
Identifiers: ClinVar variation 3045306 (VCV003045306.2), dbSNP rs182189958, ClinGen allele CA10167398.